The following is an entry in ClinVar:

ClinVar aggregate classification (germline): Uncertain significance. Review status: criteria provided, multiple submitters, no conflicts (2 of 4 stars). 3 submissions from 3 submitters: Uncertain significance (3). Last evaluated 2025-07-21.

Conditions:
Hereditary cancer-predisposing syndrome. Also called: Tumor predisposition; Hereditary neoplastic syndrome; Neoplastic Syndromes, Hereditary; Hereditary Cancer Syndrome. Identifiers: Orphanet 140162, MedGen C0027672, MeSH D009386, MONDO:0015356.

Allele frequency attached by ClinVar (database versions not stated): gnomAD exomes below 0.00001; ExAC 0.00001.
gnomAD v4.1: 2 of 1,613,912 alleles (0.00012%); highest among the groups gnomAD compares: Admixed American, 0.0017%; no homozygotes.

Submissions (3):

Labcorp Genetics (formerly Invitae), Labcorp
Classification: Uncertain significance. Last evaluated: 2025-07-21. Review status: criteria provided, single submitter. Criteria: Invitae Variant Classification Sherloc (09022015). Collection method: clinical testing. Allele origin: germline.
Comment: This sequence change replaces leucine, which is neutral and non-polar, with proline, which is neutral and non-polar, at codon 266 of the NTHL1 protein (p.Leu266Pro). This variant is present in population databases (rs758733120, gnomAD 0.003%). This variant has not been reported in the literature in individuals affected with NTHL1-related conditions. ClinVar contains an entry for this variant (Variation ID: 1008977). An algorithm developed to predict the effect of missense changes on protein structure and function (PolyPhen-2) suggests that this variant is likely to be disruptive. In summary, the available evidence is currently insufficient to determine the role of this variant in disease. Therefore, it has been classified as a Variant of Uncertain Significance.

Ambry Genetics
Classification: Uncertain significance for Hereditary cancer-predisposing syndrome. Last evaluated: 2024-11-14. Review status: criteria provided, single submitter. Criteria: Ambry Variant Classification Scheme 2023. Collection method: clinical testing. Allele origin: germline.
Comment: The p.L266P variant (also known as c.797T>C), located in coding exon 5 of the NTHL1 gene, results from a T to C substitution at nucleotide position 797. The leucine at codon 266 is replaced by proline, an amino acid with similar properties. This amino acid position is well conserved in available vertebrate species. In addition, this alteration is predicted to be deleterious by in silico analysis. Since supporting evidence is limited at this time, the clinical significance of this alteration remains unclear.

Quest Diagnostics Nichols Institute San Juan Capistrano
Classification: Uncertain significance. Last evaluated: 2022-10-21. Review status: criteria provided, single submitter. Criteria: Quest Diagnostics criteria. Collection method: clinical testing. Allele origin: unknown.
Comment: The variant has not been reported in individuals with NTHL1-related conditions in the published literature. The frequency of this variant in the general population, 0.000004 (1/251146 chromosomes), is uninformative in assessment of its pathogenicity. Analysis of this variant using bioinformatics tools for the prediction of the effect of amino acid changes on protein structure and function yielded predictions that this variant is damaging. Based on the available information, we are unable to determine the clinical significance of this variant.

NM_002528.7(NTHL1):c.773T>C (p.Leu258Pro)

Gene: NTHL1 (nth like DNA glycosylase 1; minus strand). Cytogenetic location: 16p13.3.
Variant type: single nucleotide variant.
Coding change: c.773T>C on transcript NM_002528.7 (MANE Select); coding-DNA position 773, T replaced by C.
Protein change: p.Leu258Pro; replaces leucine 258 with proline.
Molecular consequence: missense variant.
Genome position (GRCh38, 1-based): chr16:2,040,151, A>G on the plus strand (T>C on the coding strand, the complement: NTHL1 is on the minus strand). VCF-style: chr16-2040151-A-G. GRCh37 (hg19) VCF-style: chr16-2090152-A-G.
Other names: c.602T>C, p.Leu201Pro (NM_001318193.2); c.443T>C, p.Leu148Pro (NM_001318194.2); c.797T>C (NM_002528.6); short protein forms L201P, L258P, L148P.
Identifiers: ClinVar variation 1008977 (VCV001008977.15), dbSNP rs758733120, ClinGen allele CA7828118.